The following is an entry in ClinVar:

NM_002693.3(POLG):c.960del (p.His320fs)

Gene: POLG (DNA polymerase gamma, catalytic subunit; minus strand). Cytogenetic location: 15q26.1.
Variant type: Deletion.
Coding change: c.960del on transcript NM_002693.3 (MANE Select); coding-DNA position 960, one base deleted (C; older notation c.960delC).
Protein change: p.His320fs; shifts the reading frame from histidine 320.
Molecular consequence: frameshift variant.
Genome position (GRCh38, 1-based): chr15:89,329,006, G deleted on the plus strand (C on the coding strand, the reverse complement: POLG is on the minus strand). VCF-style (leftmost placement, unchanged base first): chr15-89329005-TG-T. GRCh37 (hg19) VCF-style: chr15-89872236-TG-T.
Other names: c.960del, p.His320fs (NM_001126131.2); short protein forms H320fs.
Identifiers: ClinVar variation 5014861 (VCV005014861.1).

ClinVar aggregate classification (germline): Pathogenic (1 of 4 stars; one submission).

Conditions:
POLG-related disorder. Also called: POLG-Related Spectrum Disorders; POLG-related condition; POLG-Related Disorders. Identifiers: MedGen C4763519.

Submission:

Myriad Genetics, Inc.
Classification: Pathogenic for POLG-related disorder. Last evaluated: 2025-08-12. Review status: criteria provided, single submitter. Criteria: Myriad Autosomal Dominant, Autosomal Recessive and X-Linked Classification Criteria (2023). Collection method: clinical testing. Allele origin: unknown.
Comment: NM_002693.2(POLG):c.960delC(H320Qfs*45) is expected to be pathogenic in the context of POLG-related disorders. This variant is predicted to lead to an abnormal or absent protein product due to the creation of a premature termination codon in POLG, a gene where loss-of-function variants are known to be pathogenic. Please note: this variant was assessed in the context of healthy population screening.